The following is an entry in ClinVar:

ClinVar aggregate classification (germline): Uncertain significance (1 of 4 stars; one submission).

Conditions:
Hereditary cancer-predisposing syndrome. Also called: Neoplastic Syndromes, Hereditary; Hereditary neoplastic syndrome; Tumor predisposition; Hereditary Cancer Syndrome. Identifiers: Orphanet 140162, MedGen C0027672, MeSH D009386, MONDO:0015356.

Submission:

Ambry Genetics
Classification: Uncertain significance for Hereditary cancer-predisposing syndrome. Last evaluated: 2026-02-25. Review status: criteria provided, single submitter. Criteria: Ambry Variant Classification Scheme 2023. Collection method: clinical testing. Allele origin: germline.
Comment: The p.M987T variant (also known as c.2960T>C), located in coding exon 25 of the EGFR gene, results from a T to C substitution at nucleotide position 2960. The methionine at codon 987 is replaced by threonine, an amino acid with similar properties. This amino acid position is highly conserved in available vertebrate species. In addition, the in silico prediction for this alteration is inconclusive. Based on the available evidence, the clinical significance of this variant remains unclear.

NM_005228.5(EGFR):c.2960T>C (p.Met987Thr)

Gene: EGFR (epidermal growth factor receptor; plus strand). Cytogenetic location: 7p11.2.
Variant type: single nucleotide variant.
Coding change: c.2960T>C on transcript NM_005228.5 (MANE Select); coding-DNA position 2960, T replaced by C.
Protein change: p.Met987Thr; replaces methionine 987 with threonine.
Molecular consequence: missense variant.
Genome position (GRCh38, 1-based): chr7:55,201,201, T>C. VCF-style: chr7-55201201-T-C. GRCh37 (hg19) VCF-style: chr7-55268894-T-C.
Other names: c.2825T>C, p.Met942Thr (NM_001346897.2, NM_001346899.2); c.2960T>C, p.Met987Thr (NM_001346898.2); c.2801T>C, p.Met934Thr (NM_001346900.2); c.2159T>C, p.Met720Thr (NM_001346941.2); short protein forms M934T, M942T, M987T, M720T.
Identifiers: ClinVar variation 4824489 (VCV004824489.1).